The following is an entry in ClinVar:

NM_001845.6(COL4A1):c.1789C>T (p.Arg597Cys)

Gene: COL4A1 (collagen type IV alpha 1 chain; minus strand). Cytogenetic location: 13q34.
Variant type: single nucleotide variant.
Coding change: c.1789C>T on transcript NM_001845.6 (MANE Select); coding-DNA position 1789, C replaced by T.
Protein change: p.Arg597Cys; replaces arginine 597 with cysteine.
Molecular consequence: missense variant.
Genome position (GRCh38, 1-based): chr13:110,186,493, G>A on the plus strand (C>T on the coding strand, the complement: COL4A1 is on the minus strand). VCF-style: chr13-110186493-G-A. GRCh37 (hg19) VCF-style: chr13-110838840-G-A.
Other names: short protein forms R597C.
Identifiers: ClinVar variation 930838 (VCV000930838.8), dbSNP rs767374916, ClinGen allele CA7047829.

ClinVar aggregate classification (germline): Uncertain significance. Review status: criteria provided, multiple submitters, no conflicts (2 of 4 stars). 2 submissions from 2 submitters: Uncertain significance (2). Last evaluated 2022-12-02.

Conditions:
Brain small vessel disease 1 with or without ocular anomalies (BSVD1). Also called: GOULD SYNDROME 1; PORENCEPHALY, TYPE 1, AUTOSOMAL DOMINANT; Brain small vessel disease with or without ocular anomalies; BRAIN SMALL VESSEL DISEASE WITH HEMORRHAGE. Identifiers: Orphanet 2940, Orphanet 36383, Orphanet 99810, MedGen C4755307, MONDO:0008289, OMIM 175780.

Allele frequency attached by ClinVar (database versions not stated): gnomAD exomes below 0.00001; ExAC 0.00001.
gnomAD v4.1: 4 of 1,613,746 alleles (0.00025%); highest among the groups gnomAD compares: South Asian, 0.0011%; no homozygotes.

Submissions (2):

Labcorp Genetics (formerly Invitae), Labcorp
Classification: Uncertain significance. Last evaluated: 2022-12-02. Review status: criteria provided, single submitter. Criteria: Invitae Variant Classification Sherloc (09022015). Collection method: clinical testing. Allele origin: germline.
Comment: This variant is present in population databases (rs767374916, gnomAD 0.003%). In summary, the available evidence is currently insufficient to determine the role of this variant in disease. Therefore, it has been classified as a Variant of Uncertain Significance. Algorithms developed to predict the effect of missense changes on protein structure and function are either unavailable or do not agree on the potential impact of this missense change (SIFT: "Deleterious"; PolyPhen-2: "Benign"; Align-GVGD: "Class C0"). ClinVar contains an entry for this variant (Variation ID: 930838). This variant has not been reported in the literature in individuals affected with COL4A1-related conditions. This sequence change replaces arginine, which is basic and polar, with cysteine, which is neutral and slightly polar, at codon 597 of the COL4A1 protein (p.Arg597Cys).

Centre for Mendelian Genomics, University Medical Centre Ljubljana
Classification: Uncertain significance for Brain small vessel disease 1 with or without ocular anomalies. Last evaluated: 2020-03-21. Review status: criteria provided, single submitter. Criteria: ACMG Guidelines, 2015. Collection method: clinical testing. Allele origin: unknown. Affected: yes.
Comment: This variant was classified as: Uncertain significance. The available evidence on this variant's pathogenicity is insufficient or conflicting. The following ACMG criteria were applied in classifying this variant: PM2,PP3.